The following is an entry in ClinVar:

ClinVar aggregate classification (germline): Likely pathogenic (1 of 4 stars; one submission).

Conditions:
Autosomal recessive nonsyndromic hearing loss 77. Identifiers: Orphanet 90636, MedGen C2746083, MONDO:0013119, OMIM 613079.

Submission:

Institute of Rare Diseases, West China Hospital, Sichuan University
Classification: Likely pathogenic for Autosomal recessive nonsyndromic hearing loss 77. Last evaluated: 2025-01-09. Review status: criteria provided, single submitter. Criteria: ClinGen HL ACMG Specifications v1. Collection method: research. Allele origin: germline. Affected: yes.
Comment: PVS1;PM2_Supporting

NM_001384474.1(LOXHD1):c.1693G>T (p.Glu565Ter)

Gene: LOXHD1 (lipoxygenase homology PLAT domains 1; minus strand). Cytogenetic location: 18q21.1.
Variant type: single nucleotide variant.
Coding change: c.1693G>T on transcript NM_001384474.1 (MANE Select); coding-DNA position 1693, G replaced by T.
Protein change: p.Glu565Ter; replaces glutamic acid 565 with a stop codon.
Molecular consequence: nonsense.
Genome position (GRCh38, 1-based): chr18:46,579,746, C>A on the plus strand (G>T on the coding strand, the complement: LOXHD1 is on the minus strand). VCF-style: chr18-46579746-C-A. GRCh37 (hg19) VCF-style: chr18-44159709-C-A.
Other names: c.1693G>T, p.Glu565Ter (NM_144612.7); short protein forms E565*.
Identifiers: ClinVar variation 3601200 (VCV003601200.1).